The following is an entry in ClinVar:

NM_001005242.3(PKP2):c.454C>T (p.Pro152Ser)

Gene: PKP2 (plakophilin 2; minus strand). Cytogenetic location: 12p11.21.
Variant type: single nucleotide variant.
Coding change: c.454C>T on transcript NM_001005242.3 (MANE Select); coding-DNA position 454, C replaced by T.
Protein change: p.Pro152Ser; replaces proline 152 with serine.
Molecular consequence: missense variant.
Genome position (GRCh38, 1-based): chr12:32,878,426, G>A on the plus strand (C>T on the coding strand, the complement: PKP2 is on the minus strand). VCF-style: chr12-32878426-G-A. GRCh37 (hg19) VCF-style: chr12-33031360-G-A.
Other names: c.454C>T, p.Pro152Ser (NM_004572.4); short protein forms P152S.
Identifiers: ClinVar variation 927573 (VCV000927573.11), dbSNP rs972806409, ClinGen allele CA235266794.

ClinVar aggregate classification (germline): Uncertain significance. Review status: criteria provided, multiple submitters, no conflicts (2 of 4 stars). 4 submissions from 4 submitters: Uncertain significance (4). Last evaluated 2025-07-15.

Conditions:
Arrhythmogenic right ventricular cardiomyopathy (ARVD). Also called: Arrhythmogenic cardiomyopathy; Cardiomyopathy, ARVC; Arrhythmogenic right ventricular dysplasia; Arrhythmogenic Right Ventricular Cardiomyopathy (ARVC). Identifiers: Orphanet 247, MedGen C0349788, MeSH D019571, MONDO:0016587. Disease mechanism: loss of function. Inheritance: Various modes of inheritance.
Cardiomyopathy (CMYO). Also called: Cardiomyopathies. Identifiers: Orphanet 167848, MedGen C0878544, MONDO:0004994, HP:0001638. Inheritance: Various modes of inheritance.
Cardiovascular phenotype. Identifiers: MedGen CN230736.
Arrhythmogenic right ventricular dysplasia 9 (ARVD9). Also called: Arrhythmogenic Right Ventricular Dysplasia/Cardiomyopathy 9; ARRHYTHMOGENIC RIGHT VENTRICULAR DYSPLASIA, FAMILIAL, 9. Identifiers: MedGen C1836906, MONDO:0012180, OMIM 609040.

Allele frequency attached by ClinVar (database versions not stated): gnomAD exomes below 0.00001 and 0.00001; gnomAD 0.00001; TOPMed 0.00002.
gnomAD v4.1: 8 of 1,613,992 alleles (0.0005%); highest among the groups gnomAD compares: Non-Finnish European, 0.00068%; no homozygotes.

Submissions (4):

Color Diagnostics, LLC DBA Color Health
Classification: Uncertain significance for Cardiomyopathy. Last evaluated: 2025-07-15. Review status: criteria provided, single submitter. Criteria: ACMG Guidelines, 2015. Collection method: clinical testing. Allele origin: germline.
Comment: This missense variant replaces proline with serine at codon 152 of the PKP2 protein. Computational prediction suggests that this variant may not impact protein structure and function. To our knowledge, functional studies have not been reported for this variant. This variant has been reported in an individual affected with dilated cardiomyopathy (PMID: 28416588). This variant has been identified in 2/251458 chromosomes in the general population by the Genome Aggregation Database (gnomAD). The available evidence is insufficient to determine the role of this variant in disease conclusively. Therefore, this variant is classified as a Variant of Uncertain Significance.

Labcorp Genetics (formerly Invitae), Labcorp
Classification: Uncertain significance for Arrhythmogenic right ventricular dysplasia 9. Last evaluated: 2024-10-26. Review status: criteria provided, single submitter. Criteria: Invitae Variant Classification Sherloc (09022015). Collection method: clinical testing. Allele origin: germline.
Comment: This sequence change replaces proline, which is neutral and non-polar, with serine, which is neutral and polar, at codon 152 of the PKP2 protein (p.Pro152Ser). This variant is present in population databases (no rsID available, gnomAD 0.002%). This missense change has been observed in individual(s) with arrhythmogenic right ventricular cardiomyopathy and/or dilated cardiomyopathy (PMID: 28416588, 36264615). ClinVar contains an entry for this variant (Variation ID: 927573). An algorithm developed to predict the effect of missense changes on protein structure and function (PolyPhen-2) suggests that this variant is likely to be disruptive. In summary, the available evidence is currently insufficient to determine the role of this variant in disease. Therefore, it has been classified as a Variant of Uncertain Significance.

All of Us Research Program, National Institutes of Health
Classification: Uncertain significance for Arrhythmogenic right ventricular cardiomyopathy. Last evaluated: 2024-05-14. Review status: criteria provided, single submitter. Criteria: ACMG Guidelines, 2015. Collection method: clinical testing. Allele origin: germline. Inheritance: Autosomal dominant inheritance. Observed: 7 variant alleles, 7 heterozygotes.
Comment: This missense variant replaces proline with serine at codon 152 of the PKP2 protein. Computational prediction suggests that this variant may not impact protein structure and function (internally defined REVEL score threshold <= 0.5, PMID: 27666373). To our knowledge, functional studies have not been reported for this variant. This variant has not been reported in individuals affected with cardiovascular disorders in the literature. This variant has been identified in 2/251458 chromosomes in the general population by the Genome Aggregation Database (gnomAD). The available evidence is insufficient to determine the role of this variant in disease conclusively. Therefore, this variant is classified as a Variant of Uncertain Significance.

This study involves interpretation of variants in research participants for the purpose of population health screening. Participant phenotype was not available at the time of variant classification. Additional details can be found in publication PMID: 35346344, PMCID: PMC8962531

Ambry Genetics
Classification: Uncertain significance for Cardiovascular phenotype. Last evaluated: 2024-04-26. Review status: criteria provided, single submitter. Criteria: Ambry Variant Classification Scheme 2023. Collection method: clinical testing. Allele origin: germline.
Comment: The p.P152S variant (also known as c.454C>T), located in coding exon 3 of the PKP2 gene, results from a C to T substitution at nucleotide position 454. The proline at codon 152 is replaced by serine, an amino acid with similar properties. This alteration has been reported in a dilated cardiomyopathy cohort and an arrhythmogenic right ventricular cardiomyopathy (ARVC) cohort (Dal Ferro M et al. Heart, 2017 Nov;103:1704-1710; Bourfiss M et al. Circ Genom Precis Med, 2022 Dec;15:e003704). This amino acid position is highly conserved in available vertebrate species. In addition, the in silico prediction for this alteration is inconclusive. Based on the available evidence, the clinical significance of this variant remains unclear.

Literature cited by the submitters: PubMed 28416588 (cited by 3 submitters); PubMed 36264615 (cited by Labcorp Genetics (formerly Invitae), Labcorp and Ambry Genetics).